The following is an entry in ClinVar:

ClinVar aggregate classification (germline): Uncertain significance (1 of 4 stars; one submission).

Submission:

GeneDx
Classification: Uncertain significance. Last evaluated: 2026-01-12. Review status: criteria provided, single submitter. Criteria: GeneDx Variant Classification Process June 2021. Collection method: clinical testing. Allele origin: germline.
Comment: Not observed at significant frequency in large population cohorts (gnomAD); Nonsense variant predicted to result in protein truncation or nonsense mediated decay in a gene for which loss-of-function is not an established mechanism of disease; Has not been previously published as pathogenic or benign to our knowledge

NM_001257291.2(SLC9A7):c.1569G>A (p.Trp523Ter)

Gene: SLC9A7 (solute carrier family 9 member A7; minus strand). Cytogenetic location: Xp11.3.
Variant type: single nucleotide variant.
Coding change: c.1569G>A on transcript NM_001257291.2 (MANE Select); coding-DNA position 1569, G replaced by A.
Protein change: p.Trp523Ter; replaces tryptophan 523 with a stop codon.
Molecular consequence: nonsense.
Genome position (GRCh38, 1-based): chrX:46,643,283, C>T on the plus strand (G>A on the coding strand, the complement: SLC9A7 is on the minus strand). VCF-style: chrX-46643283-C-T. GRCh37 (hg19) VCF-style: chrX-46502718-C-T.
Other names: c.1566G>A, p.Trp522Ter (NM_032591.3); short protein forms W522*, W523*.
Identifiers: ClinVar variation 4282245 (VCV004282245.2).